The following is an entry in ClinVar:

ClinVar aggregate classification (germline): Uncertain significance (1 of 4 stars; one submission).

Conditions:
BTK-related disorder. Also called: BTK-related condition.

Submission:

PreventionGenetics, part of Exact Sciences
Classification: Uncertain significance for BTK-related condition. Last evaluated: 2025-10-25. Review status: criteria provided, single submitter. Criteria: ACMG Guidelines, 2015. Collection method: clinical testing. Allele origin: germline.
Comment: The BTK c.245G>A variant is predicted to result in the amino acid substitution p.Arg82Lys. To our knowledge, this variant has not been reported in the literature. This variant is reported in 0.013% of alleles in individuals of East Asian descent in gnomAD. At this time, the clinical significance of this variant is uncertain due to the absence of conclusive functional and genetic evidence.

NM_000061.3(BTK):c.245G>A (p.Arg82Lys)

Gene: BTK (Bruton tyrosine kinase; minus strand). Cytogenetic location: Xq22.1.
Variant type: single nucleotide variant.
Coding change: c.245G>A on transcript NM_000061.3 (MANE Select); coding-DNA position 245, G replaced by A.
Protein change: p.Arg82Lys; replaces arginine 82 with lysine.
Molecular consequence: missense variant.
Genome position (GRCh38, 1-based): chrX:101,371,697, C>T on the plus strand (G>A on the coding strand, the complement: BTK is on the minus strand). VCF-style: chrX-101371697-C-T. GRCh37 (hg19) VCF-style: chrX-100626685-C-T.
Other names: c.347G>A, p.Arg116Lys (NM_001287344.2); c.245G>A, p.Arg82Lys (NM_001287345.2); short protein forms R116K, R82K.
Identifiers: ClinVar variation 4983893 (VCV004983893.1).